The following is an entry in ClinVar:

ClinVar aggregate classification (germline): Pathogenic (1 of 4 stars; one submission).

Conditions:
Hyperphosphatasia with impaired intellectual development syndrome 2. Also called: GLYCOSYLPHOSPHATIDYLINOSITOL BIOSYNTHESIS DEFECT 6; Hyperphosphatasia with intellectual disability syndrome 2. Identifiers: Orphanet 247262, MedGen C3553637, MONDO:0013882, OMIM 614749.

Submission:

Labcorp Genetics (formerly Invitae), Labcorp
Classification: Pathogenic for Hyperphosphatasia with impaired intellectual development syndrome 2. Last evaluated: 2025-03-03. Review status: criteria provided, single submitter. Criteria: Invitae Variant Classification Sherloc (09022015). Collection method: clinical testing. Allele origin: germline.
Comment: This sequence change creates a premature translational stop signal (p.Arg615Thrfs*29) in the PIGO gene. It is expected to result in an absent or disrupted protein product. Loss-of-function variants in PIGO are known to be pathogenic (PMID: 22683086, 24417746). This variant is present in population databases (rs765635359, gnomAD 0.005%). This variant has not been reported in the literature in individuals affected with PIGO-related conditions. For these reasons, this variant has been classified as Pathogenic.

Literature cited by the submitters: PubMed 22683086; PubMed 24417746.

NM_032634.4(PIGO):c.1841dup (p.Arg615fs)

Gene: PIGO (phosphatidylinositol glycan anchor biosynthesis class O; minus strand). Cytogenetic location: 9p13.3.
Variant type: Duplication.
Coding change: c.1841dup on transcript NM_032634.4 (MANE Select); coding-DNA position 1841, one base duplicated (C; older notation c.1841dupC).
Protein change: p.Arg615fs; shifts the reading frame from arginine 615.
Molecular consequence: frameshift variant. On other transcripts: intron variant (2).
Genome position (GRCh38, 1-based): chr9:35,092,046, G duplicated on the plus strand (C on the coding strand, the reverse complement: PIGO is on the minus strand); the first of 6 consecutive G bases (chr9:35,092,046-35,092,051); duplicating any one gives the same sequence. VCF-style (leftmost placement, unchanged base first): chr9-35092045-T-TG. GRCh37 (hg19) VCF-style: chr9-35092042-T-TG.
Other names: c.1344+497dup (NM_152850.4, NM_001201484.2); short protein forms R615fs.
Identifiers: ClinVar variation 3706499 (VCV003706499.2).